The following is an entry in ClinVar:

NM_000875.5(IGF1R):c.3187-5C>T

Gene: IGF1R (insulin like growth factor 1 receptor; plus strand). Cytogenetic location: 15q26.3.
Variant type: single nucleotide variant.
Coding change: c.3187-5C>T on transcript NM_000875.5 (MANE Select); 5 bases into the intron before coding-DNA position 3187, C replaced by T.
Molecular consequence: intron variant.
Genome position (GRCh38, 1-based): chr15:98,935,311, C>T. VCF-style: chr15-98935311-C-T. GRCh37 (hg19) VCF-style: chr15-99478540-C-T.
Other names: c.3184-5C>T (NM_001291858.2).
Identifiers: ClinVar variation 501967 (VCV000501967.24), dbSNP rs45495500, ClinGen allele CA7752637.

ClinVar aggregate classification (germline): Conflicting classifications of pathogenicity. Review status: criteria provided, conflicting classifications (1 of 4 stars). 8 submissions from 8 submitters: Uncertain significance (2); Benign (1); Likely benign (2). 3 of the submissions do not count toward it. Last evaluated 2025-09-23.

Conditions:
Growth delay due to insulin-like growth factor I resistance. Also called: Somatomedin end-organ insensitivity to; Somatomedin-c resistance to; IGF-1 resistance; IGF-I RESISTANCE; Insulin-Like Growth Factor I Resistance. Identifiers: Orphanet 73273, MedGen C1849157, MONDO:0010038, OMIM 270450.

Allele frequency attached by ClinVar (database versions not stated): ESP Exome Variant Server 0.00045; gnomAD 0.00052 and 0.00055; TOPMed 0.00057; 1000 Genomes Project 0.00060; 1000 Genomes Project 30x 0.00062; gnomAD exomes 0.00090; ExAC 0.00147.
gnomAD v4.1: 980 of 1,538,554 alleles (0.064%); highest among the groups gnomAD compares: South Asian, 0.15%; 1 homozygote.

Submissions (8):

Labcorp Genetics (formerly Invitae), Labcorp
Classification: Benign. Last evaluated: 2025-09-23. Review status: criteria provided, single submitter. Criteria: Invitae Variant Classification Sherloc (09022015). Collection method: clinical testing. Allele origin: germline.

Women's Health and Genetics/Laboratory Corporation of America, LabCorp
Classification: Likely benign. Last evaluated: 2025-04-30. Review status: criteria provided, single submitter. Criteria: LabCorp Variant Classification Summary - May 2015. Collection method: clinical testing. Allele origin: germline.
Comment: Variant summary: IGF1R c.3187-5C>T alters a conserved nucleotide located at a position not widely known to affect splicing. Consensus agreement among computation tools predict no significant impact on normal splicing. However, these predictions have yet to be confirmed by functional studies. The variant allele was found at a frequency of 0.0009 in 156356 control chromosomes, predominantly at a frequency of 0.0014 within the South Asian subpopulation in the gnomAD database. This frequency is not significantly higher than estimated for a pathogenic variant in IGF1R causing Growth Delay Due To Insulin-Like Growth Factor I Resistance, allowing no conclusion about variant significance. To our knowledge, no occurrence of c.3187-5C>T in individuals affected with Growth Delay Due To Insulin-Like Growth Factor I Resistance and no experimental evidence demonstrating its impact on protein function have been reported. ClinVar contains an entry for this variant (Variation ID: 501967). Based on the evidence outlined above, the variant was classified as likely benign.

Blueprint Genetics
Classification: Likely benign. Last evaluated: 2024-11-07. Review status: criteria provided, single submitter. Criteria: ACMG Guidelines, 2015. Collection method: clinical testing. Allele origin: germline.

Illumina Laboratory Services, Illumina
Classification: Uncertain significance for Growth delay due to insulin-like growth factor I resistance. Last evaluated: 2017-07-16. Review status: criteria provided, single submitter. Criteria: ICSL Variant Classification Criteria 13 December 2019. Collection method: clinical testing. Allele origin: germline.
Comment: This variant was observed as part of a predisposition screen in an ostensibly healthy population. A literature search was performed for the gene, cDNA change, and amino acid change (where applicable). Publications were found based on this search. However, the evidence from the literature, in combination with allele frequency data from public databases where available, was not sufficient to rule this variant in or out of causing disease. Therefore, this variant is classified as a variant of unknown significance.

Eurofins Ntd Llc (ga)
Classification: Uncertain significance. Last evaluated: 2017-05-17. Review status: criteria provided, single submitter. Criteria: EGL Classification Definitions 2015. Collection method: clinical testing. Allele origin: germline. Observed: 1 variant allele, 1 heterozygote.

Clinical Genetics DNA and cytogenetics Diagnostics Lab, Erasmus MC, Erasmus Medical Center
Classification: Benign. Review status: no assertion criteria provided. Collection method: clinical testing. Allele origin: germline. Affected: yes. Study: VKGL Data-share Consensus. Not counted in ClinVar's aggregate classification.

Diagnostic Laboratory, Department of Genetics, University Medical Center Groningen
Classification: Likely benign. Review status: no assertion criteria provided. Collection method: clinical testing. Allele origin: germline. Affected: yes. Study: VKGL Data-share Consensus. Not counted in ClinVar's aggregate classification.

Laboratory of Diagnostic Genome Analysis, Leiden University Medical Center (LUMC)
Classification: Likely benign. Review status: no assertion criteria provided. Collection method: clinical testing. Allele origin: germline. Affected: yes. Study: VKGL Data-share Consensus. Not counted in ClinVar's aggregate classification.

Literature cited by the submitters: PubMed 20625407 (cited by Illumina Laboratory Services, Illumina).